The following is an entry in ClinVar:

NM_001943.5(DSG2):c.74A>C (p.His25Pro)

Gene: DSG2 (desmoglein 2; plus strand). Cytogenetic location: 18q12.1.
Variant type: single nucleotide variant.
Coding change: c.74A>C on transcript NM_001943.5 (MANE Select); coding-DNA position 74, A replaced by C.
Protein change: p.His25Pro; replaces histidine 25 with proline.
Molecular consequence: missense variant.
Genome position (GRCh38, 1-based): chr18:31,518,267, A>C. VCF-style: chr18-31518267-A-C. GRCh37 (hg19) VCF-style: chr18-29098230-A-C.
Other names: short protein forms H25P.
Identifiers: ClinVar variation 4756716 (VCV004756716.1).
Genomic context (GRCh38, chr18:31,518,267, plus strand): 5'-TTGGCTAAATATCAAATAATTTTATTTTACAGATCTGCTTTAACGTTGGAAGTGGACTTC[A>C]CTTACAGGTGAGGAAACAAAGGGATTATTTCTGCCTTCTGACTCAGGAGGGTTAATTCCA-3'
Protein context (NP_001934.2, residues 15-35): LICFNVGSGL[His25Pro]LQVLSTRNEN

ClinVar aggregate classification (germline): Uncertain significance (1 of 4 stars; one submission).

Conditions:
Cardiomyopathy (CMYO). Also called: Cardiomyopathies. Identifiers: Orphanet 167848, MedGen C0878544, MONDO:0004994, HP:0001638. Inheritance: Various modes of inheritance.

gnomAD v4.1: 1 of 1,613,496 alleles (0.000062%); highest among the groups gnomAD compares: Non-Finnish European, 0.000085%; no homozygotes.

Submission:

Color Diagnostics, LLC DBA Color Health
Classification: Uncertain significance for Cardiomyopathy. Last evaluated: 2025-05-30. Review status: criteria provided, single submitter. Criteria: ACMG Guidelines, 2015. Collection method: clinical testing. Allele origin: germline.
Comment: This missense variant replaces histidine with proline at codon 25 of the DSG2 protein. Computational prediction suggests that this variant may not impact protein structure and function. To our knowledge, functional studies have not been reported for this variant. This variant has not been reported in individuals affected with DSG2-related disorders in the literature. This variant has been identified in 1/249430 chromosomes in the general population by the Genome Aggregation Database (gnomAD). The available evidence is insufficient to determine the role of this variant in disease conclusively. Therefore, this variant is classified as a Variant of Uncertain Significance.